The following is an entry in ClinVar:

NM_020832.3(ZNF687):c.1985C>G (p.Pro662Arg)

Gene: ZNF687 (zinc finger protein 687; plus strand). Cytogenetic location: 1q21.3.
Variant type: single nucleotide variant.
Coding change: c.1985C>G on transcript NM_020832.3 (MANE Select); coding-DNA position 1985, C replaced by G.
Protein change: p.Pro662Arg; replaces proline 662 with arginine.
Molecular consequence: missense variant.
Genome position (GRCh38, 1-based): chr1:151,288,276, C>G. VCF-style: chr1-151288276-C-G. GRCh37 (hg19) VCF-style: chr1-151260752-C-G.
Other names: c.1985C>G, p.Pro662Arg (NM_001304763.2, NM_001304764.2); short protein forms P662R.
Identifiers: ClinVar variation 2902966 (VCV002902966.3), dbSNP rs971075718, ClinGen allele CA29519271.

ClinVar aggregate classification (germline): Uncertain significance (1 of 4 stars; one submission).

Allele frequency attached by ClinVar (database versions not stated): gnomAD exomes below 0.00001; TOPMed 0.00001.
gnomAD v4.1: 3 of 1,613,554 alleles (0.00019%); highest among the groups gnomAD compares: Middle Eastern, 0.016%; no homozygotes.

Submission:

Labcorp Genetics (formerly Invitae), Labcorp
Classification: Uncertain significance. Last evaluated: 2023-10-22. Review status: criteria provided, single submitter. Criteria: Invitae Variant Classification Sherloc (09022015). Collection method: clinical testing. Allele origin: germline.
Comment: This sequence change replaces proline, which is neutral and non-polar, with arginine, which is basic and polar, at codon 662 of the ZNF687 protein (p.Pro662Arg). This variant is present in population databases (no rsID available, gnomAD no frequency). This variant has not been reported in the literature in individuals affected with ZNF687-related conditions. An algorithm developed to predict the effect of missense changes on protein structure and function (PolyPhen-2) suggests that this variant is likely to be tolerated. In summary, the available evidence is currently insufficient to determine the role of this variant in disease. Therefore, it has been classified as a Variant of Uncertain Significance.